The following is an entry in ClinVar:

ClinVar aggregate classification (germline): Pathogenic (1 of 4 stars; one submission).

Conditions:
Hereditary cancer-predisposing syndrome. Also called: Tumor predisposition; Hereditary neoplastic syndrome; Neoplastic Syndromes, Hereditary; Hereditary Cancer Syndrome. Identifiers: Orphanet 140162, MedGen C0027672, MeSH D009386, MONDO:0015356.

Submission:

Ambry Genetics
Classification: Pathogenic for Hereditary cancer-predisposing syndrome. Last evaluated: 2018-11-20. Review status: criteria provided, single submitter. Criteria: Ambry Variant Classification Scheme 2023. Collection method: clinical testing. Allele origin: germline.
Comment: The c.1259delC pathogenic mutation, located in coding exon 10 of the NBN gene, results from a deletion of one nucleotide at nucleotide position 1259, causing a translational frameshift with a predicted alternate stop codon (p.T420Ifs*5). This alteration is expected to result in loss of function by premature protein truncation or nonsense-mediated mRNA decay. As such, this alteration is interpreted as a disease-causing mutation. Since supporting evidence is limited at this time, the clinical significance of this alteration remains unclear.

NM_002485.5(NBN):c.1259del (p.Thr420fs)

Gene: NBN (nibrin; minus strand). Cytogenetic location: 8q21.3.
Variant type: Deletion.
Coding change: c.1259del on transcript NM_002485.5 (MANE Select); coding-DNA position 1259, one base deleted (C; older notation c.1259delC).
Protein change: p.Thr420fs; shifts the reading frame from threonine 420.
Molecular consequence: frameshift variant.
Genome position (GRCh38, 1-based): chr8:89,955,421, G deleted on the plus strand (C on the coding strand, the reverse complement: NBN is on the minus strand). VCF-style (leftmost placement, unchanged base first): chr8-89955420-AG-A. GRCh37 (hg19) VCF-style: chr8-90967648-AG-A.
Other names: c.1013del, p.Thr338fs (NM_001024688.3); short protein forms T420fs, T338fs.
Identifiers: ClinVar variation 818728 (VCV000818728.4), dbSNP rs1586058892, ClinGen allele CA915945777.
Genomic context (GRCh38, chr8:89,955,420, plus strand): 5'-ATTTATACTTGGCAATTTAGTTGGTGAAAGCTGATAGTTTGGGATTCTCATCTTAGCCAA[AG>A]TATTTGATACCATACTATTATTATTAGAGCTTGTTTTGCAGGACTCCTTTACAGTGGGTG-3'